The following is an entry in ClinVar:

NM_001291303.3(FAT4):c.2514G>C (p.Met838Ile)

Gene: FAT4 (FAT atypical cadherin 4; plus strand). Cytogenetic location: 4q28.1.
Variant type: single nucleotide variant.
Coding change: c.2514G>C on transcript NM_001291303.3 (MANE Select); coding-DNA position 2514, G replaced by C.
Protein change: p.Met838Ile; replaces methionine 838 with isoleucine.
Molecular consequence: missense variant.
Genome position (GRCh38, 1-based): chr4:125,318,925, G>C. VCF-style: chr4-125318925-G-C. GRCh37 (hg19) VCF-style: chr4-126240080-G-C.
Other names: c.2514G>C, p.Met838Ile (NM_001291285.3, NM_024582.6); short protein forms M838I.
Identifiers: ClinVar variation 2037717 (VCV002037717.4), dbSNP rs2530436167, ClinGen allele CA358120489.

ClinVar aggregate classification (germline): Uncertain significance (1 of 4 stars; one submission).

Submission:

Labcorp Genetics (formerly Invitae), Labcorp
Classification: Uncertain significance. Last evaluated: 2022-09-01. Review status: criteria provided, single submitter. Criteria: Invitae Variant Classification Sherloc (09022015). Collection method: clinical testing. Allele origin: germline.
Comment: In summary, the available evidence is currently insufficient to determine the role of this variant in disease. Therefore, it has been classified as a Variant of Uncertain Significance. Advanced modeling of protein sequence and biophysical properties (such as structural, functional, and spatial information, amino acid conservation, physicochemical variation, residue mobility, and thermodynamic stability) performed at Invitae indicates that this missense variant is not expected to disrupt FAT4 protein function. This variant has not been reported in the literature in individuals affected with FAT4-related conditions. This variant is not present in population databases (gnomAD no frequency). This sequence change replaces methionine, which is neutral and non-polar, with isoleucine, which is neutral and non-polar, at codon 838 of the FAT4 protein (p.Met838Ile).